The following is an entry in ClinVar:

NM_004937.3(CTNS):c.332C>T (p.Pro111Leu)

Genes: CTNS-AS1 (CTNS antisense RNA 1; minus strand), CTNS (cystinosin, lysosomal cystine transporter; plus strand). Cytogenetic location: 17p13.2.
Variant type: single nucleotide variant.
Coding change: c.332C>T on transcript NM_004937.3 (MANE Select); coding-DNA position 332, C replaced by T.
Protein change: p.Pro111Leu; replaces proline 111 with leucine.
Molecular consequence: missense variant. On other transcripts: 5 prime UTR variant (4).
Genome position (GRCh38, 1-based): chr17:3,655,223, C>T. VCF-style: chr17-3655223-C-T. GRCh37 (hg19) VCF-style: chr17-3558517-C-T.
Other names: c.332C>T, p.Pro111Leu (NM_001031681.3, NM_001374492.1); c.-110C>T (NM_001374493.1, NM_001374494.1, NM_001374495.1 and 1 more transcripts); short protein forms P111L.
Identifiers: ClinVar variation 322837 (VCV000322837.8), dbSNP rs149689304, ClinGen allele CA8291690.

ClinVar aggregate classification (germline): Uncertain significance. Review status: criteria provided, multiple submitters, no conflicts (2 of 4 stars). 4 submissions from 3 submitters: Uncertain significance (4). Last evaluated 2024-03-07.

Conditions:
Ocular cystinosis. Also called: Non-Nephropathic (Ocular) Cystinosis; Non-Nephropathic Cystinosis. Identifiers: Orphanet 213, Orphanet 411641, MedGen C2931013, MONDO:0009064, OMIM 219750.
Juvenile nephropathic cystinosis. Also called: Later-Onset (Juvenile) Cystinosis; Intermediate Cystinosis; CYSTINOSIS, LATE-ONSET JUVENILE OR ADOLESCENT NEPHROPATHIC TYPE. Identifiers: Orphanet 213, Orphanet 411634, MedGen C0268626, MONDO:0009066, OMIM 219900.
Nephropathic cystinosis (CTNS). Also called: CYSTINOSIN, DEFECT OF; LYSOSOMAL CYSTINE TRANSPORT PROTEIN, DEFECT OF; Abderhalden Lignac Kaufmann disease; Abderhalden-Kaufmann-Lignac syndrome. Identifiers: Orphanet 213, Orphanet 411629, MedGen C2931187, MONDO:0100151, OMIM 219800.
Inborn genetic diseases. Identifiers: MedGen C0950123, MeSH D030342.

Allele frequency attached by ClinVar (database versions not stated): TOPMed 0.00011; ExAC 0.00012; gnomAD 0.00014; ESP Exome Variant Server 0.00023.
gnomAD v4.1: 331 of 1,614,044 alleles (0.021%); highest among the groups gnomAD compares: Non-Finnish European, 0.025%; no homozygotes.

Submissions (4):

Fulgent Genetics
Classification: Uncertain significance for Ocular cystinosis; Nephropathic cystinosis; Juvenile nephropathic cystinosis. Last evaluated: 2024-03-07. Review status: criteria provided, single submitter. Criteria: ACMG Guidelines, 2015. Collection method: clinical testing. Allele origin: germline.

Labcorp Genetics (formerly Invitae), Labcorp
Classification: Uncertain significance for Inborn genetic diseases; Ocular cystinosis; Juvenile nephropathic cystinosis. Last evaluated: 2022-08-01. Review status: criteria provided, single submitter. Criteria: Invitae Variant Classification Sherloc (09022015). Collection method: clinical testing. Allele origin: germline.
Comment: This sequence change replaces proline, which is neutral and non-polar, with leucine, which is neutral and non-polar, at codon 111 of the CTNS protein (p.Pro111Leu). This variant is present in population databases (rs149689304, gnomAD 0.03%). This variant has not been reported in the literature in individuals affected with CTNS-related conditions. ClinVar contains an entry for this variant (Variation ID: 322837). Algorithms developed to predict the effect of missense changes on protein structure and function are either unavailable or do not agree on the potential impact of this missense change (SIFT: "Deleterious"; PolyPhen-2: "Benign"; Align-GVGD: "Class C0"). Algorithms developed to predict the effect of sequence changes on RNA splicing suggest that this variant may create or strengthen a splice site. In summary, the available evidence is currently insufficient to determine the role of this variant in disease. Therefore, it has been classified as a Variant of Uncertain Significance.

Illumina Laboratory Services, Illumina
Classification: Uncertain significance for Ocular cystinosis. Last evaluated: 2018-01-13. Review status: criteria provided, single submitter. Criteria: ICSL Variant Classification Criteria 13 December 2019. Collection method: clinical testing. Allele origin: germline.

Illumina Laboratory Services, Illumina
Classification: Uncertain significance for Nephropathic cystinosis. Last evaluated: 2018-01-13. Review status: criteria provided, single submitter. Criteria: ICSL Variant Classification Criteria 13 December 2019. Collection method: clinical testing. Allele origin: germline.